The following is an entry in ClinVar:

ClinVar aggregate classification (germline): Pathogenic. Review status: reviewed by expert panel (3 of 4 stars). 10 submissions from 10 submitters: Pathogenic (1). 9 of the submissions do not count toward it. Last evaluated 2016-09-08.

Conditions:
Hereditary cancer-predisposing syndrome. Also called: Tumor predisposition; Neoplastic Syndromes, Hereditary; Hereditary Cancer Syndrome; Hereditary neoplastic syndrome. Identifiers: Orphanet 140162, MedGen C0027672, MeSH D009386, MONDO:0015356.
Hereditary breast ovarian cancer syndrome. Also called: Hereditary breast and ovarian cancer syndrome (HBOC); Hereditary breast and ovarian cancer syndrome; Hereditary breast and ovarian cancer; Hereditary breast and/or ovarian cancer syndrome; Breast and ovarian cancer; BRCA1- and BRCA2-Associated Hereditary Breast and Ovarian Cancer. Identifiers: Orphanet 145, MedGen C0677776, MeSH D061325, MONDO:0003582. Disease mechanism: loss of function.
Breast-ovarian cancer, familial, susceptibility to, 1 (BROVCA1). Also called: OVARIAN CANCER, SUSCEPTIBILITY TO; BRCA1 Hereditary Breast and Ovarian Cancer. Identifiers: Orphanet 145, MedGen C2676676, MONDO:0011450, OMIM 604370. Disease mechanism: loss of function.
Familial cancer of breast. Also called: Hereditary breast cancer; hereditary breast carcinoma; BREAST CANCER, FAMILIAL. Identifiers: Orphanet 227535, MedGen C0346153, MONDO:0016419, OMIM 114480. Disease mechanism: loss of function.

Submissions (10):

Evidence-based Network for the Interpretation of Germline Mutant Alleles (ENIGMA)
Classification: Pathogenic for Breast-ovarian cancer, familial, susceptibility to, 1. Last evaluated: 2016-09-08. Review status: reviewed by expert panel. Criteria: ENIGMA BRCA1/2 Classification Criteria (2015). Collection method: curation. Allele origin: germline.
Comment: Variant allele predicted to encode a truncated non-functional protein.

Labcorp Genetics (formerly Invitae), Labcorp
Classification: Pathogenic for Hereditary breast ovarian cancer syndrome. Last evaluated: 2024-10-15. Review status: criteria provided, single submitter. Criteria: Invitae Variant Classification Sherloc (09022015). Collection method: clinical testing. Allele origin: germline. Not counted in ClinVar's aggregate classification.
Comment: This sequence change creates a premature translational stop signal (p.Thr922Leufs*77) in the BRCA1 gene. It is expected to result in an absent or disrupted protein product. Loss-of-function variants in BRCA1 are known to be pathogenic (PMID: 20104584). This variant is not present in population databases (gnomAD no frequency). This premature translational stop signal has been observed in individual(s) with hereditary breast and/or ovarian cancer (PMID: 16683254, 26425718, 29021639). This variant is also known as 2883del4. ClinVar contains an entry for this variant (Variation ID: 54675). For these reasons, this variant has been classified as Pathogenic.

Cancer Genomics Group, Japanese Foundation For Cancer Research
Classification: Likely pathogenic for Hereditary breast ovarian cancer syndrome. Last evaluated: 2023-03-27. Review status: criteria provided, single submitter. Criteria: ACMG Guidelines, 2015. Collection method: research. Allele origin: germline. Affected: no. Not counted in ClinVar's aggregate classification.

Ambry Genetics
Classification: Pathogenic for Hereditary cancer-predisposing syndrome. Last evaluated: 2022-07-27. Review status: criteria provided, single submitter. Criteria: Ambry Variant Classification Scheme 2023. Collection method: clinical testing. Allele origin: germline. Not counted in ClinVar's aggregate classification.
Comment: The c.2764_2767delACAG pathogenic mutation, located in coding exon 9 of the BRCA1 gene, results from a deletion of 4 nucleotides between nucleotide positions 2764 and 2767, causing a translational frameshift with a predicted alternate stop codon (p.T922Lfs*77). This mutation has been reported in 1 of 4,024 families undergoing BRCA1/2 testing based on a personal or family history of breast and/or ovarian cancer (van der Hout AH et al, Hum. Mutat. 2006 Jul; 27(7):654-66). In addition to the clinical data presented in the literature, this alteration is expected to result in loss of function by premature protein truncation or nonsense-mediated mRNA decay. As such, this alteration is interpreted as a disease-causing mutation.

Color Diagnostics, LLC DBA Color Health
Classification: Pathogenic for Hereditary cancer-predisposing syndrome. Last evaluated: 2020-12-29. Review status: criteria provided, single submitter. Criteria: ACMG Guidelines, 2015. Collection method: clinical testing. Allele origin: germline. Not counted in ClinVar's aggregate classification.
Comment: This variant deletes 4 nucleotides in exon 10 of the BRCA1 gene, creating a frameshift and premature translation stop signal. This variant is expected to result in an absent or non-functional protein product. To our knowledge, functional studies have not been reported for this variant. This variant has been observed in one individual each affected with breast cancer (PMID: 29021639) and ovarian cancer (PMID: 26425718) and in a suspected hereditary breast and ovarian cancer family (PMID: 16683254). This variant has not been identified in the general population by the Genome Aggregation Database (gnomAD). Loss of BRCA1 function is a known mechanism of disease. Based on the available evidence, this variant is classified as Pathogenic.

Quest Diagnostics Nichols Institute San Juan Capistrano
Classification: Pathogenic. Last evaluated: 2020-08-18. Review status: criteria provided, single submitter. Criteria: Quest Diagnostics criteria. Collection method: clinical testing. Allele origin: unknown. Not counted in ClinVar's aggregate classification.
Comment: This frameshift variant causes the premature termination of BRCA1 protein synthesis. In the published literature, this variant has been reported in individuals and families affected with breast or ovarian cancer (PMID: 29021639 (2017), 26425718 (2015), 16683254 (2006)). Based on the available information, this variant is classified as pathogenic.

GeneDx
Classification: Pathogenic. Last evaluated: 2018-02-06. Review status: criteria provided, single submitter. Criteria: GeneDx Variant Classification (06012015). Collection method: clinical testing. Allele origin: germline. Affected: yes. Not counted in ClinVar's aggregate classification.
Comment: This deletion of four nucleotides in BRCA1 is denoted c.2764_2767delACAG at the cDNA level and p.Thr922LeufsX77 (T922LfsX77) at the protein level. Using alternate nomenclature, this variant may be defined as 2883_2886delACAG, 2883del4, or 2881delGACA. The normal sequence, with the bases that are deleted in brackets, is ACAG[delACAG]TTAA. The deletion causes a frameshift which changes a Threonine to a Leucine at codon 922, and creates a premature stop codon at position 77 of the new reading frame. This variant is predicted to cause loss of normal protein function through either protein truncation or nonsense-mediated mRNA decay. BRCA1 c.2764_2767delACAG has been observed in individuals with a personal and family history of breast and/or ovarian cancer (van der Hout 2006, Matsuo 2015, Brice?o-Balc?zar 2017). We consider this variant to be pathogenic.

Consortium of Investigators of Modifiers of BRCA1/2 (CIMBA), c/o University of Cambridge
Classification: Pathogenic for Breast-ovarian cancer, familial, susceptibility to, 1. Last evaluated: 2015-10-02. Review status: criteria provided, single submitter. Criteria: CIMBA Mutation Classification guidelines May 2016. Collection method: clinical testing. Allele origin: germline. Not counted in ClinVar's aggregate classification.

Breast Cancer Information Core (BIC) (BRCA1)
Classification: Pathogenic for Breast-ovarian cancer, familial 1. Last evaluated: 2002-05-29. Review status: no assertion criteria provided. Collection method: clinical testing. Allele origin: germline. Affected: yes. Observed: 2 variant alleles. Not counted in ClinVar's aggregate classification.

Center for Precision Medicine, Meizhou People's Hospital
Classification: Pathogenic for Familial cancer of breast. Review status: no assertion criteria provided. Collection method: literature only. Allele origin: germline. Affected: yes. Not counted in ClinVar's aggregate classification.

Literature cited by the submitters: PubMed 20104584 (cited by Labcorp Genetics (formerly Invitae), Labcorp); PubMed 16683254 (cited by 4 submitters); PubMed 26425718 (cited by 4 submitters); PubMed 29021639 (cited by 4 submitters).

NM_007294.4(BRCA1):c.2764_2767del (p.Thr922fs)

Gene: BRCA1 (BRCA1 DNA repair associated; minus strand). Cytogenetic location: 17q21.31.
Variant type: Microsatellite.
Coding change: c.2764_2767del on transcript NM_007294.4 (MANE Select); coding-DNA positions 2764 to 2767, 4 bases deleted (ACAG; older notation c.2764_2767delACAG).
Protein change: p.Thr922fs; shifts the reading frame from threonine 922.
Molecular consequence: frameshift variant. On other transcripts: intron variant (137).
Genome position (GRCh38, 1-based): chr17:43,092,764-43,092,767, CTGT deleted on the plus strand (ACAG on the coding strand, the reverse complement: BRCA1 is on the minus strand); deleting any 4 consecutive bases within chr17:43,092,764-43,092,771 gives the same sequence; the c. name uses the placement nearest the transcript's 3' end. VCF-style (leftmost placement, unchanged base first): chr17-43092763-ACTGT-A. GRCh37 (hg19) VCF-style: chr17-41244780-ACTGT-A.
Other names: 2883del4; c.2764_2767delACAG (NM_007294.3); c.2551_2554del, p.Thr851fs (NM_001407571.1, NM_001407853.1, NM_001407894.1 and 9 more transcripts); c.2764_2767del, p.Thr922fs (NM_001407581.1, NM_001407582.1, NM_001407583.1 and 30 more transcripts); c.2761_2764del, p.Thr921fs (NM_001407587.1, NM_001407590.1, NM_001407591.1 and 22 more transcripts); c.2755_2758del, p.Thr919fs (NM_001407646.1, NM_001407647.1); c.2641_2644del, p.Thr881fs (NM_001407648.1, NM_001407664.1, NM_001407665.1 and 19 more transcripts); c.2638_2641del, p.Thr880fs (NM_001407649.1, NM_001407670.1, NM_001407671.1 and 11 more transcripts); and 43 more; short protein forms T922fs, T875fs, T754fs, T851fs, T880fs, T881fs, T919fs, T794fs.
Identifiers: ClinVar variation 54675 (VCV000054675.24), dbSNP rs80357822, ClinGen allele CA001820.
Genomic context (GRCh38, chr17:43,092,763, plus strand): 5'-TTGGCATTATCAACTGGCTTATCTTTCTGACCAACCACAGGAAAGCCTGCAGTGATATTA[ACTGT>A]CTGTACAGGCTTGATATTAGACTCATTCTTTCCTTGATTTTCTTCCTTTTGTTCACATTC-3'